The following is an entry in ClinVar:

ClinVar aggregate classification (germline): Uncertain significance (1 of 4 stars; one submission).

Conditions:
Hereditary sensory and autonomic neuropathy type 6. Also called: Neuropathy, hereditary sensory and autonomic, type VI; HSAN VI. Identifiers: Orphanet 314381, MedGen C3539003, MONDO:0013839, OMIM 614653.
Epidermolysis bullosa simplex 3, localized or generalized intermediate, with BP230 deficiency (EBS3). Also called: Epidermolysis bullosa simplex due to BP230 deficiency; Epidermolysis bullosa simplex, autosomal recessive 2. Identifiers: Orphanet 412181, MedGen C3809470, MONDO:0014180, OMIM 615425.

Allele frequency attached by ClinVar (database versions not stated): gnomAD 0.00001; gnomAD exomes 0.00001; TOPMed 0.00002; ExAC 0.00004; 1000 Genomes Project 0.00020; 1000 Genomes Project 30x 0.00062.
gnomAD v4.1: 21 of 1,610,346 alleles (0.0013%); highest among the groups gnomAD compares: Admixed American, 0.017%; no homozygotes.

Submission:

Labcorp Genetics (formerly Invitae), Labcorp
Classification: Uncertain significance for Epidermolysis bullosa simplex 3, localized or generalized intermediate, with BP230 deficiency; Hereditary sensory and autonomic neuropathy type 6. Last evaluated: 2022-06-27. Review status: criteria provided, single submitter. Criteria: Invitae Variant Classification Sherloc (09022015). Collection method: clinical testing. Allele origin: germline.
Comment: The DST gene has multiple clinically relevant transcripts. This variant occurs in alternate transcript NM_015548.4, and corresponds to NM_001723.5:c.*143276C>T in the primary transcript. This sequence change falls in intron 74 of the DST gene. It does not directly change the encoded amino acid sequence of the DST protein. This variant is present in population databases (rs184424239, gnomAD 0.02%). This variant has not been reported in the literature in individuals affected with DST-related conditions. Experimental studies and prediction algorithms are not available or were not evaluated, and the effect of this variant on mRNA splicing is currently unknown. In summary, the available evidence is currently insufficient to determine the role of this variant in disease. Therefore, it has been classified as a Variant of Uncertain Significance.

NM_001374736.1(DST):c.21995-19C>T

Gene: DST (dystonin; minus strand). Cytogenetic location: 6p12.1.
Variant type: single nucleotide variant.
Coding change: c.21995-19C>T on transcript NM_001374736.1 (MANE Select); 19 bases into the intron before coding-DNA position 21995, C replaced by T.
Molecular consequence: intron variant.
Genome position (GRCh38, 1-based): chr6:56,472,241, G>A on the plus strand (C>T on the coding strand, the complement: DST is on the minus strand). VCF-style: chr6-56472241-G-A. GRCh37 (hg19) VCF-style: chr6-56337039-G-A.
Other names: c.15638-19C>T (NM_001144769.5); c.21995-19C>T (NM_001374722.1); c.22022-19C>T (NM_001374734.1); c.15224-19C>T (NM_001144770.2); c.14777-19C>T (NM_001374730.1); c.15104-19C>T (NM_001386100.1, NM_183380.4); c.21035-19C>T (NM_001374729.1); c.14126-19C>T (NM_015548.5).
Identifiers: ClinVar variation 2149316 (VCV002149316.1), dbSNP rs184424239, ClinGen allele CA3866350.